The following is an entry in ClinVar:

ClinVar aggregate classification (germline): Likely pathogenic (1 of 4 stars; one submission).

Conditions:
Telangiectasia, hereditary hemorrhagic, type 2 (HHT2). Also called: ACVRL1-Related Hereditary Hemorrhagic Telangiectasia; Telangiectasia, hereditary hemorrhagic, type II. Identifiers: Orphanet 774, MedGen C1838163, MONDO:0010880, OMIM 600376. Disease mechanism: loss of function.

Submission:

Labcorp Genetics (formerly Invitae), Labcorp
Classification: Likely pathogenic for Telangiectasia, hereditary hemorrhagic, type 2. Last evaluated: 2024-02-23. Review status: criteria provided, single submitter. Criteria: Invitae Variant Classification Sherloc (09022015). Collection method: clinical testing. Allele origin: germline.
Comment: This sequence change replaces leucine, which is neutral and non-polar, with arginine, which is basic and polar, at codon 337 of the ACVRL1 protein (p.Leu337Arg). This variant is not present in population databases (gnomAD no frequency). This missense change has been observed in individual(s) with clinical features of hereditary hemorrhagic telangiectasia (Invitae). ClinVar contains an entry for this variant (Variation ID: 2029851). Advanced modeling of protein sequence and biophysical properties (such as structural, functional, and spatial information, amino acid conservation, physicochemical variation, residue mobility, and thermodynamic stability) performed at Invitae indicates that this missense variant is expected to disrupt ACVRL1 protein function with a positive predictive value of 95%. This variant disrupts the p.Leu337 amino acid residue in ACVRL1. Other variant(s) that disrupt this residue have been observed in individuals with ACVRL1-related conditions (PMID: 15024723), which suggests that this may be a clinically significant amino acid residue. In summary, the currently available evidence indicates that the variant is pathogenic, but additional data are needed to prove that conclusively. Therefore, this variant has been classified as Likely Pathogenic.

Literature cited by the submitters: PubMed 15024723.

NM_000020.3(ACVRL1):c.1010T>G (p.Leu337Arg)

Gene: ACVRL1 (activin A receptor like type 1; plus strand). Cytogenetic location: 12q13.13.
Variant type: single nucleotide variant.
Coding change: c.1010T>G on transcript NM_000020.3 (MANE Select); coding-DNA position 1010, T replaced by G.
Protein change: p.Leu337Arg; replaces leucine 337 with arginine.
Molecular consequence: missense variant.
Genome position (GRCh38, 1-based): chr12:51,915,462, T>G. VCF-style: chr12-51915462-T-G. GRCh37 (hg19) VCF-style: chr12-52309246-T-G.
Other names: c.1010T>G, p.Leu337Arg (NM_001077401.2, NM_001406487.1, NM_001406488.1 and 1 more transcripts); c.698T>G, p.Leu233Arg (NM_001406490.1, NM_001406491.1, NM_001406492.1 and 2 more transcripts); c.446T>G, p.Leu149Arg (NM_001406495.1); short protein forms L337R, L233R, L149R.
Identifiers: ClinVar variation 2029851 (VCV002029851.4), dbSNP rs1592224349, ClinGen allele CA384901628.
Genomic context (GRCh38, chr12:51,915,462, plus strand): 5'-TCTTCGGTACACAGGGCAAACCAGCCATTGCCCACCGCGACTTCAAGAGCCGCAATGTGC[T>G]GGTCAAGAGCAACCTGCAGTGTTGCATCGCCGACCTGGGTGAGCCGGGCGGGGCAGGGGC-3'
Protein context (NP_000011.2, residues 327-347): AHRDFKSRNV[Leu337Arg]VKSNLQCCIA